The following is an entry in ClinVar:

ClinVar aggregate classification (germline): Benign (3 of 4 stars; one submission).

Conditions:
Breast-ovarian cancer, familial, susceptibility to, 2 (BROVCA2). Also called: BRCA2 Hereditary Breast and Ovarian Cancer. Identifiers: Orphanet 145, MedGen C2675520, MONDO:0012933, OMIM 612555. Disease mechanism: loss of function.

Allele frequency attached by ClinVar (database versions not stated): 1000 Genomes Project 0.00839; 1000 Genomes Project 30x 0.00906; gnomAD 0.01041 and 0.01136; TOPMed 0.01156.
gnomAD v4.1: 1,572 of 152,194 alleles (1%); highest among the groups gnomAD compares: African/African-American, 3.6%; 31 homozygotes.

Submission:

Evidence-based Network for the Interpretation of Germline Mutant Alleles (ENIGMA)
Classification: Benign for Breast-ovarian cancer, familial 2. Last evaluated: 2015-01-12. Review status: reviewed by expert panel. Criteria: ENIGMA BRCA1/2 Classification Criteria (2015). Collection method: curation. Allele origin: germline.
Comment: Class 1 not pathogenic based on frequency >1% in an outbred sampleset. Frequency 0.03252 (African), derived from 1000 genomes (2012-04-30).

NM_000059.4(BRCA2):c.7806-1019G>A

Gene: BRCA2 (BRCA2 DNA repair associated; plus strand). Cytogenetic location: 13q13.1.
Variant type: single nucleotide variant.
Coding change: c.7806-1019G>A on transcript NM_000059.4 (MANE Select); 1019 bases into the intron before coding-DNA position 7806, G replaced by A.
Molecular consequence: intron variant.
Genome position (GRCh38, 1-based): chr13:32,361,504, G>A. VCF-style: chr13-32361504-G-A. GRCh37 (hg19) VCF-style: chr13-32935641-G-A.
Other names: IVS 16-1019G>A.
Identifiers: ClinVar variation 209774 (VCV000209774.1), dbSNP rs56132513, ClinGen allele CA276742.